The following is an entry in ClinVar:

ClinVar aggregate classification (germline): Likely benign (1 of 4 stars; one submission).

gnomAD v4.1: 3 of 1,483,766 alleles (0.0002%); highest among the groups gnomAD compares: Non-Finnish European, 0.00027%; no homozygotes.

Submission:

CeGaT Center for Human Genetics Tuebingen
Classification: Likely benign. Last evaluated: 2026-01-01. Review status: criteria provided, single submitter. Criteria: CeGaT Center For Human Genetics Tuebingen Variant Classification Criteria Version 2. Collection method: clinical testing. Allele origin: germline. Affected: yes. Observed: 1 variant allele.
Comment: MUC4: BP4, BP7

NM_018406.7(MUC4):c.9117C>A (p.Thr3039=)

Gene: MUC4 (mucin 4, cell surface associated). Cytogenetic location: 3q29.
Variant type: single nucleotide variant.
Coding change: c.9117C>A on transcript NM_018406.7 (MANE Select); coding-DNA position 9117, C replaced by A.
Protein change: p.Thr3039=; no amino-acid change (threonine 3039 retained).
Molecular consequence: synonymous variant. On other transcripts: intron variant (2).
Genome position (GRCh38, 1-based): chr3:195,782,463, G>T on the plus strand (C>A on the coding strand, the complement: MUC4 is on the minus strand). VCF-style: chr3-195782463-G-T. GRCh37 (hg19) VCF-style: chr3-195509334-G-T.
Other names: c.83-8158C>A (NM_138297.5); c.83-4008C>A (NM_004532.6).
Identifiers: ClinVar variation 4822587 (VCV004822587.4).